The following is an entry in ClinVar:

ClinVar aggregate classification (germline): Likely benign. Review status: criteria provided, multiple submitters, no conflicts (2 of 4 stars). 4 submissions from 4 submitters: Likely benign (3). 1 of the submissions does not count toward it. Last evaluated 2026-01-01.

Conditions:
TOPORS-related disorder. Also called: TOPORS-related condition.

Allele frequency attached by ClinVar (database versions not stated): gnomAD exomes 0.00008; ExAC 0.00009; ESP Exome Variant Server 0.00015; TOPMed 0.00022; gnomAD 0.00023 and 0.00024.
gnomAD v4.1: 91 of 1,614,054 alleles (0.0056%); highest among the groups gnomAD compares: African/African-American, 0.075%; no homozygotes.

Submissions (4):

Labcorp Genetics (formerly Invitae), Labcorp
Classification: Likely benign. Last evaluated: 2026-01-01. Review status: criteria provided, single submitter. Criteria: Invitae Variant Classification Sherloc (09022015). Collection method: clinical testing. Allele origin: germline.

Blueprint Genetics
Classification: Likely benign. Last evaluated: 2024-04-19. Review status: criteria provided, single submitter. Criteria: ACMG Guidelines, 2015. Collection method: clinical testing. Allele origin: germline.

Breakthrough Genomics
Classification: Likely benign. Review status: criteria provided, single submitter. Criteria: ACMG Guidelines, 2015. Collection method: not provided. Allele origin: germline. Inheritance: Unknown mechanism. Affected: yes.

PreventionGenetics, part of Exact Sciences
Classification: Likely benign for TOPORS-related condition. Last evaluated: 2019-08-01. Review status: no assertion criteria provided. Collection method: clinical testing. Allele origin: germline. Not counted in ClinVar's aggregate classification.
Comment: This variant is classified as likely benign based on ACMG/AMP sequence variant interpretation guidelines (Richards et al. 2015 PMID: 25741868, with internal and published modifications).

NM_005802.5(TOPORS):c.2679T>C (p.His893=)

Gene: TOPORS (TOP1 binding arginine/serine rich protein, E3 ubiquitin ligase; minus strand). Cytogenetic location: 9p21.1.
Variant type: single nucleotide variant.
Coding change: c.2679T>C on transcript NM_005802.5 (MANE Select); coding-DNA position 2679, T replaced by C.
Protein change: p.His893=; no amino-acid change (histidine 893 retained).
Molecular consequence: synonymous variant.
Genome position (GRCh38, 1-based): chr9:32,541,846, A>G on the plus strand (T>C on the coding strand, the complement: TOPORS is on the minus strand). VCF-style: chr9-32541846-A-G. GRCh37 (hg19) VCF-style: chr9-32541844-A-G.
Other names: c.2484T>C, p.His828= (NM_001195622.2).
Identifiers: ClinVar variation 732694 (VCV000732694.14), dbSNP rs375514604, ClinGen allele CA5020327.